The following is an entry in ClinVar:

ClinVar aggregate classification (germline): Uncertain significance (1 of 4 stars; one submission).

Conditions:
Cardiomyopathy (CMYO). Also called: Cardiomyopathies. Identifiers: Orphanet 167848, MedGen C0878544, MONDO:0004994, HP:0001638. Inheritance: Various modes of inheritance.

Allele frequency attached by ClinVar (database versions not stated): gnomAD exomes 0.00001.
gnomAD v4.1: 4 of 1,613,910 alleles (0.00025%); highest among the groups gnomAD compares: Non-Finnish European, 0.00025%; no homozygotes.

Submission:

Color Diagnostics, LLC DBA Color Health
Classification: Uncertain significance for Cardiomyopathy. Last evaluated: 2023-12-05. Review status: criteria provided, single submitter. Criteria: ACMG Guidelines, 2015. Collection method: clinical testing. Allele origin: germline.
Comment: This missense variant replaces leucine with proline at codon 1836 of the DSP protein. Computational prediction tools and conservation analyses suggest that this variant may have deleterious impact on the protein function. Computational splicing tools suggest that this variant may not impact RNA splicing. To our knowledge, functional assays have not been performed for this variant nor has this variant been reported in individuals affected with cardiovascular disorders in the literature. This variant has not been identified in the general population by the Genome Aggregation Database (gnomAD). Available evidence is insufficient to determine the role of this variant in disease conclusively. Therefore, this variant is classified as a Variant of Uncertain Significance.

NM_004415.4(DSP):c.5507T>C (p.Leu1836Pro)

Gene: DSP (desmoplakin; plus strand). Cytogenetic location: 6p24.3.
Variant type: single nucleotide variant.
Coding change: c.5507T>C on transcript NM_004415.4 (MANE Select); coding-DNA position 5507, T replaced by C.
Protein change: p.Leu1836Pro; replaces leucine 1836 with proline.
Molecular consequence: missense variant.
Genome position (GRCh38, 1-based): chr6:7,582,769, T>C. VCF-style: chr6-7582769-T-C. GRCh37 (hg19) VCF-style: chr6-7583002-T-C.
Other names: c.3710T>C, p.Leu1237Pro (NM_001008844.3); c.4178T>C, p.Leu1393Pro (NM_001319034.2); short protein forms L1237P, L1393P, L1836P.
Identifiers: ClinVar variation 920618 (VCV000920618.5), dbSNP rs1759480891, ClinGen allele CA362688778.
Genomic context (GRCh38, chr6:7,582,769, plus strand): 5'-TGGTGAAAATCAAAGTCCTGGAGCAAGACAAGGCAAGGCTGCAGAGGCTGGAGGATGAGC[T>C]GAATCGTGCAAAATCAACTCTAGAGGCAGAAACCAGGGTGAAACAGCGCCTGGAGTGTGA-3'
Protein context (NP_004406.2, residues 1826-1846): KARLQRLEDE[Leu1836Pro]NRAKSTLEAE